The following is an entry in ClinVar:

NM_015335.5(MED13L):c.6501-2del

Gene: MED13L (mediator complex subunit 13L; minus strand). Cytogenetic location: 12q24.21.
Variant type: Deletion.
Coding change: c.6501-2del on transcript NM_015335.5 (MANE Select); the canonical splice acceptor site of the intron before coding-DNA position 6501, one base deleted (A; older notation c.6501-2delA).
Molecular consequence: splice acceptor variant.
Genome position (GRCh38, 1-based): chr12:115,961,400, T deleted on the plus strand (A on the coding strand, the reverse complement: MED13L is on the minus strand). VCF-style (leftmost placement, unchanged base first): chr12-115961399-CT-C. GRCh37 (hg19) VCF-style: chr12-116399204-CT-C.
Other names: c.6501-2delA (NM_015335.5).
Identifiers: ClinVar variation 3233812 (VCV003233812.2), dbSNP rs2499941147, ClinGen allele CA2825002059.

ClinVar aggregate classification (germline): Likely pathogenic (1 of 4 stars; one submission).

Conditions:
Cardiac anomalies - developmental delay - facial dysmorphism syndrome (MRFACD). Also called: MED13L Syndrome; Impaired intellectual development and distinctive facial features with or without cardiac defects. Identifiers: Orphanet 369891, MedGen C5192431, MONDO:0014773, OMIM 616789.

Submission:

Women's Health and Genetics/Laboratory Corporation of America, LabCorp
Classification: Likely pathogenic for Cardiac anomalies - developmental delay - facial dysmorphism syndrome. Last evaluated: 2024-03-22. Review status: criteria provided, single submitter. Criteria: LabCorp Variant Classification Summary - May 2015. Collection method: clinical testing. Allele origin: germline.
Comment: Variant summary: MED13L c.6501-2delA is located in a canonical splice-site in the last intron (intron 30) and is predicted to affect mRNA splicing resulting in an altered protein due to either exon skipping, shortening, or inclusion of intronic material. Several computational tools predict a significant impact on normal splicing: Four predict the variant abolishes a 3' acceptor site. However, these predictions have yet to be confirmed by functional studies. The variant was absent in 249428 control chromosomes. To our knowledge, no experimental evidence demonstrating its impact on protein function have been reported. No submitters have cited clinical-significance assessments for this variant to ClinVar. Based on the evidence outlined above, the variant was classified as likely pathogenic.